The following is an entry in ClinVar:

NM_001388453.1(QRICH2):c.1160C>T (p.Pro387Leu)

Gene: QRICH2 (glutamine rich 2; minus strand). Cytogenetic location: 17q25.1.
Variant type: single nucleotide variant.
Coding change: c.1160C>T on transcript NM_001388453.1 (MANE Select); coding-DNA position 1160, C replaced by T.
Protein change: p.Pro387Leu; replaces proline 387 with leucine.
Molecular consequence: missense variant.
Genome position (GRCh38, 1-based): chr17:76,293,567, G>A on the plus strand (C>T on the coding strand, the complement: QRICH2 is on the minus strand). VCF-style: chr17-76293567-G-A. GRCh37 (hg19) VCF-style: chr17-74289648-G-A.
Other names: c.1160C>T, p.Pro387Leu (NM_032134.3); short protein forms P387L.
Identifiers: ClinVar variation 3060453 (VCV003060453.2), dbSNP rs118098530, ClinGen allele CA8784339.
Genomic context (GRCh38, chr17:76,293,567, plus strand): 5'-GTGCTAGCAGGCACTAATCCAGGCTGATTCATGCCAGTTGGTTCTAACCCACGACGATCT[G>A]GCCTTAGATGGACCTGACTCTGGCTAGCGGGCACACTACTGGGCTGGTCTCTGGCCAAGG-3'
Protein context (NP_001375382.1, residues 377-397): PASQSQVHLR[Pro387Leu]DRRGLEPTGM

ClinVar aggregate classification (germline): Benign (0 of 4 stars; one submission).

Conditions:
QRICH2-related disorder. Also called: QRICH2-related condition.

Allele frequency attached by ClinVar (database versions not stated): 1000 Genomes Project 30x 0.00578; 1000 Genomes Project 0.00619; ExAC 0.01448; gnomAD 0.01534; TOPMed 0.01612; ESP Exome Variant Server 0.01899; gnomAD exomes 0.02436.
gnomAD v4.1: 37,769 of 1,614,178 alleles (2.3%); highest among the groups gnomAD compares: Non-Finnish European, 2.9%; 541 homozygotes.

Submission:

PreventionGenetics, part of Exact Sciences
Classification: Benign for QRICH2-related condition. Last evaluated: 2019-05-15. Review status: no assertion criteria provided. Collection method: clinical testing. Allele origin: germline.
Comment: This variant is classified as benign based on ACMG/AMP sequence variant interpretation guidelines (Richards et al. 2015 PMID: 25741868, with internal and published modifications).